The following is an entry in ClinVar:

ClinVar aggregate classification (germline): Pathogenic. Review status: criteria provided, multiple submitters, no conflicts (2 of 4 stars). 8 submissions from 8 submitters: Pathogenic (8). Last evaluated 2025-11-18.

Conditions:
Cardiomyopathy (CMYO). Also called: Cardiomyopathies. Identifiers: Orphanet 167848, MedGen C0878544, MONDO:0004994, HP:0001638. Inheritance: Various modes of inheritance.
Hypertrophic cardiomyopathy 4. Also called: Familial hypertrophic cardiomyopathy 4. Identifiers: MedGen C1861862, MONDO:0007268, OMIM 115197.
Cardiovascular phenotype. Identifiers: MedGen CN230736.
Left ventricular noncompaction 10 (LVNC10). Identifiers: Orphanet 154, Orphanet 54260, MedGen C3715165, MONDO:0014163, OMIM 615396.
Hypertrophic cardiomyopathy. Also called: HYPERTROPHIC MYOCARDIOPATHY. Identifiers: Orphanet 217569, MedGen C0007194, MeSH D002312, MONDO:0005045, HP:0001639.

Allele frequency attached by ClinVar (database versions not stated): gnomAD exomes below 0.00001 and 0.00001; TOPMed below 0.00001; gnomAD 0.00001.
gnomAD v4.1: 5 of 1,599,896 alleles (0.00031%); no homozygotes.

Submissions (8):

Labcorp Genetics (formerly Invitae), Labcorp
Classification: Pathogenic for Hypertrophic cardiomyopathy. Last evaluated: 2025-11-18. Review status: criteria provided, single submitter. Criteria: Invitae Variant Classification Sherloc (09022015). Collection method: clinical testing. Allele origin: germline.
Comment: This sequence change affects a donor splice site in intron 29 of the MYBPC3 gene. It is expected to disrupt RNA splicing. Variants that disrupt the donor or acceptor splice site typically lead to a loss of protein function (PMID: 16199547), and loss-of-function variants in MYBPC3 are known to be pathogenic (PMID: 19574547). This variant is present in population databases (rs111683277, gnomAD 0.01%). Disruption of this splice site has been observed in individuals with hypertrophic cardiomyopathy, dilated cardiomyopathy and dilated cardiomyopathy (PMID: 20215591, 25132132, 25611685, 27532257; internal data). This variant is also known as splice site (29+1). ClinVar contains an entry for this variant (Variation ID: 177837). Algorithms developed to predict the effect of sequence changes on RNA splicing suggest that this variant may disrupt the consensus splice site. For these reasons, this variant has been classified as Pathogenic.

Ambry Genetics
Classification: Pathogenic for Cardiovascular phenotype. Last evaluated: 2024-12-17. Review status: criteria provided, single submitter. Criteria: Ambry Variant Classification Scheme 2023. Collection method: clinical testing. Allele origin: germline.
Comment: The c.3190+1G>A intronic pathogenic mutation results from a G to A substitution one nucleotide after coding exon 29 of the MYBPC3 gene. This alteration has been previously reported in hypertrophic cardiomyopathy (HCM) cohorts (Hershberger RE et al. Circ Cardiovasc Genet. 2010;3:155-61 (reported as splice site 29+1); Wang J et al. Eur J Heart Fail. 2014;16:950-7; Alfares AA et al. Genet Med. 2015;17(11):880-8; Walsh R et al. Genet. Med., 2017 Feb;19:192-203). This nucleotide position is highly conserved in available vertebrate species. In silico splice site analysis predicts that this alteration will weaken the native splice donor site. In addition to the clinical data presented in the literature, alterations that disrupt the canonical splice site are expected to cause aberrant splicing, resulting in an abnormal protein or a transcript that is subject to nonsense-mediated mRNA decay. Based on the supporting evidence, this variant is interpreted as a disease-causing mutation.

Institute of Human Genetics Munich, TUM University Hospital
Classification: Pathogenic for Hypertrophic cardiomyopathy 4. Last evaluated: 2023-02-27. Review status: criteria provided, single submitter. Criteria: Classification criteria August 2017. Collection method: clinical testing. Allele origin: germline. Inheritance: Autosomal dominant inheritance. Affected: yes. Observed: 1 variant allele.

GeneDx
Classification: Pathogenic. Last evaluated: 2022-06-01. Review status: criteria provided, single submitter. Criteria: GeneDx Variant Classification Process June 2021. Collection method: clinical testing. Allele origin: germline. Affected: yes.
Comment: Canonical splice site variant predicted to result in a null allele in a gene for which loss of function is a known mechanism of disease; Not observed at significant frequency in large population cohorts (gnomAD); This variant is associated with the following publications: (PMID: 25525159, 25611685, 20215591, 27532257, 33673806, 34912951, 25132132)

CHEO Genetics Diagnostic Laboratory, Children's Hospital of Eastern Ontario
Classification: Pathogenic for Cardiomyopathy. Last evaluated: 2021-10-18. Review status: criteria provided, single submitter. Criteria: ACMG Guidelines, 2015. Collection method: clinical testing. Allele origin: germline.

Fulgent Genetics
Classification: Pathogenic for Hypertrophic cardiomyopathy 4; Left ventricular noncompaction 10. Last evaluated: 2021-09-14. Review status: criteria provided, single submitter. Criteria: ACMG Guidelines, 2015. Collection method: clinical testing. Allele origin: unknown.

Victorian Clinical Genetics Services, Murdoch Childrens Research Institute
Classification: Pathogenic for Hypertrophic cardiomyopathy 4. Last evaluated: 2020-05-21. Review status: criteria provided, single submitter. Criteria: ACMG Guidelines, 2015. Collection method: clinical testing. Allele origin: germline. Affected: yes.
Comment: Based on the classification scheme VCGS_Germline_v1.1.1, this variant is classified as Pathogenic. Following criteria are met: 0102 - Loss-of-function is a known mechanism of disease for this gene. (N) 0108 - This gene is known to be associated with both recessive and dominant disease. (N) 0211 - Canonical splice site variant without proven consequence on splicing (intron 29, no functional evidence available). (P) 0251 - Variant is heterozygous. (N) 0302 - Variant is present in gnomAD <0.001 (1 heterozygote, 0 homozygotes). (P) 0505 - Abnormal splicing is predicted by in silico tools and affected nucleotide is highly conserved. (P) 0703 - Comparable variants have moderate previous evidence for pathogenicity. Another variant in the same splice junction (c.3190+2T>G) has also been reported in patient's with hypertrophic cardiomyopathy (ClinVar, PMID: 24111713). (P) 0802 - Moderate previous evidence of pathogenicity in unrelated individuals. The variant has been previously reported as pathogenic in patients with dilated cardiomyopathy and hypertrophic cardiomyopathy (ClinVar, PMID: 20215591, 25132132, 25611685). (P) 1208 - Inheritance information for this variant is not currently available. (N) Legend: (P) - Pathogenic, (N) - Neutral, (B) - Benign

Laboratory for Molecular Medicine, Mass General Brigham Personalized Medicine
Classification: Pathogenic for Hypertrophic cardiomyopathy. Last evaluated: 2018-03-19. Review status: criteria provided, single submitter. Criteria: LMM Criteria. Collection method: clinical testing. Allele origin: germline. Inheritance: Autosomal dominant inheritance. Observed: 5 variant alleles.
Comment: The c.3190+1G>A variant in MYBPC3 has been identified in at least 5 individuals with HCM (Wang 2015, LMM data) and in 1 individual with DCM (Hershberger 2010). This variant has also been identified in 1/9828 of Ashkenazi Jewish chromosomes by the Genome Aggregation Database (gnomAD; db SNP rs111683277). This variant has also been reported in ClinVar (Variation ID: 177837). This variant occurs in the invariant region (+/- 1,2) of the splice con sensus sequence and is predicted to cause altered splicing leading to an abnorma l or absent protein. Splice site and other MYBPC3 variants resulting in a hetero zygous loss of function are strongly associated with HCM. In summary, this varia nt meets criteria to be classified as pathogenic for hypertrophic cardiomyopathy in an autosomal dominant manner based upon predicted impact to the protein and presence in affected individuals. ACMG/AMP Criteria applied: PVS1; PM2; PS4_Mode rate.

Literature cited by the submitters: PubMed 16199547 (cited by Labcorp Genetics (formerly Invitae), Labcorp); PubMed 19574547 (cited by Labcorp Genetics (formerly Invitae), Labcorp); PubMed 20215591 (cited by 4 submitters); PubMed 25132132 (cited by 4 submitters); PubMed 25611685 (cited by 4 submitters); PubMed 27532257 (cited by 3 submitters); PubMed 24111713 (cited by Victorian Clinical Genetics Services, Murdoch Childrens Research Institute); PubMed 28193612 (cited by Laboratory for Molecular Medicine, Mass General Brigham Personalized Medicine); PubMed 25525159 (cited by Laboratory for Molecular Medicine, Mass General Brigham Personalized Medicine).

NM_000256.3(MYBPC3):c.3190+1G>A

Gene: MYBPC3 (myosin binding protein C3; minus strand). Cytogenetic location: 11p11.2.
Variant type: single nucleotide variant.
Coding change: c.3190+1G>A on transcript NM_000256.3 (MANE Select); the canonical splice donor site of the intron after coding-DNA position 3190, G replaced by A.
Molecular consequence: splice donor variant.
Genome position (GRCh38, 1-based): chr11:47,333,556, C>T on the plus strand (G>A on the coding strand, the complement: MYBPC3 is on the minus strand). VCF-style: chr11-47333556-C-T. GRCh37 (hg19) VCF-style: chr11-47355107-C-T.
Identifiers: ClinVar variation 177837 (VCV000177837.27), dbSNP rs111683277, ClinGen allele CA013610.